The following is an entry in ClinVar:

NM_005535.3(IL12RB1):c.1598_1604delinsCCG (p.Gln533fs)

Gene: IL12RB1 (interleukin 12 receptor subunit beta 1; minus strand). Cytogenetic location: 19p13.11.
Variant type: Indel.
Coding change: c.1598_1604delinsCCG on transcript NM_005535.3 (MANE Select); coding-DNA positions 1598 to 1604, AGCCCCA replaced by CCG.
Protein change: p.Gln533fs; shifts the reading frame from glutamine 533.
Molecular consequence: frameshift variant.
Genome position (GRCh38, 1-based): chr19:18,063,890-18,063,896, TGGGGCT replaced by CGG on the plus strand (AGCCCCA replaced by CCG on the coding strand, the reverse complement: IL12RB1 is on the minus strand). VCF-style: chr19-18063890-TGGGGCT-CGG. GRCh37 (hg19) VCF-style: chr19-18174700-TGGGGCT-CGG.
Other names: c.1598_1604delinsCCG, p.Gln533fs (NM_001290023.2); c.1718_1724delAGCCCCAinsCCG, p.Gln573Profs (NM_001290024.2); short protein forms Q533fs, Q573fs.
Identifiers: ClinVar variation 964750 (VCV000964750.5), dbSNP rs2034359637, ClinGen allele CA1139666345.

ClinVar aggregate classification (germline): Pathogenic (1 of 4 stars; one submission).

Conditions:
Mendelian susceptibility to mycobacterial diseases due to complete IL12RB1 deficiency. Also called: Immunodeficiency 30; IL12RB1 DEFICIENCY. Identifiers: Orphanet 319552, MedGen C4013949, MONDO:0013955, OMIM 614891.

Submission:

Labcorp Genetics (formerly Invitae), Labcorp
Classification: Pathogenic for Mendelian susceptibility to mycobacterial diseases due to complete IL12RB1 deficiency. Last evaluated: 2021-10-09. Review status: criteria provided, single submitter. Criteria: Invitae Variant Classification Sherloc (09022015). Collection method: clinical testing. Allele origin: germline.
Comment: For these reasons, this variant has been classified as Pathogenic. Loss-of-function variants in IL12RB1 are known to be pathogenic (PMID: 9603733, 12591909). This variant has not been reported in the literature in individuals with IL12RB1-related conditions. This variant is not present in population databases (ExAC no frequency). This sequence change creates a premature translational stop signal (p.Gln533Profs*24) in the IL12RB1 gene. It is expected to result in an absent or disrupted protein product.

Literature cited by the submitters: PubMed 9603733; PubMed 12591909.